The following is an entry in ClinVar:

ClinVar aggregate classification (germline): Uncertain significance (1 of 4 stars; one submission).

Conditions:
POLD1-related polyposis and colorectal cancer syndrome (CRCS10). Also called: Colorectal cancer 10; COLORECTAL CANCER, SUSCEPTIBILITY TO, ON CHROMOSOME 19q; Colorectal cancer, susceptibility to, 10. Identifiers: Orphanet 220460, MedGen C2675481, MONDO:0012953, OMIM 612591.

Submission:

Labcorp Genetics (formerly Invitae), Labcorp
Classification: Uncertain significance for POLD1-related polyposis and colorectal cancer syndrome. Last evaluated: 2023-03-01. Review status: criteria provided, single submitter. Criteria: Invitae Variant Classification Sherloc (09022015). Collection method: clinical testing. Allele origin: germline.
Comment: This sequence change replaces arginine, which is basic and polar, with glycine, which is neutral and non-polar, at codon 232 of the POLD1 protein (p.Arg232Gly). This variant is not present in population databases (gnomAD no frequency). This variant has not been reported in the literature in individuals affected with POLD1-related conditions. ClinVar contains an entry for this variant (Variation ID: 1506783). Advanced modeling of protein sequence and biophysical properties (such as structural, functional, and spatial information, amino acid conservation, physicochemical variation, residue mobility, and thermodynamic stability) performed at Invitae indicates that this missense variant is not expected to disrupt POLD1 protein function. In summary, the available evidence is currently insufficient to determine the role of this variant in disease. Therefore, it has been classified as a Variant of Uncertain Significance.

NM_002691.4(POLD1):c.694C>G (p.Arg232Gly)

Gene: POLD1 (DNA polymerase delta 1, catalytic subunit; plus strand). Cytogenetic location: 19q13.33.
Variant type: single nucleotide variant.
Coding change: c.694C>G on transcript NM_002691.4 (MANE Select); coding-DNA position 694, C replaced by G.
Protein change: p.Arg232Gly; replaces arginine 232 with glycine.
Molecular consequence: missense variant. On other transcripts: non-coding transcript variant (1).
Genome position (GRCh38, 1-based): chr19:50,402,309, C>G. VCF-style: chr19-50402309-C-G. GRCh37 (hg19) VCF-style: chr19-50905566-C-G.
Other names: c.694C>G, p.Arg232Gly (NM_001256849.1, NM_001308632.1); short protein forms R232G.
Identifiers: ClinVar variation 1506783 (VCV001506783.8), dbSNP rs774789534, ClinGen allele CA406974387.
Genomic context (GRCh38, chr19:50,402,309, plus strand): 5'-ATCACCGTGGCGCTGCCGCGCCTCGTGGCCCCGGCCCGCCGTCTCCTGGAACAGGGCATC[C>G]GTGTGGCAGGCCTGGGCACGCCCAGCTTCGCGCCCTACGAGGCCAACGTCGACTTTGAGA-3'
Protein context (NP_002682.2, residues 222-242): PARRLLEQGI[Arg232Gly]VAGLGTPSFA